The following is an entry in ClinVar:

ClinVar aggregate classification (germline): Likely benign. Review status: criteria provided, multiple submitters, no conflicts (2 of 4 stars). 2 submissions from 2 submitters: Likely benign (2). Last evaluated 2025-08-05.

Conditions:
AHCY-related disorder. Also called: AHCY-related condition.
Hypermethioninemia with deficiency of S-adenosylhomocysteine hydrolase. Identifiers: Orphanet 88618, MedGen C3151058, MONDO:0013404, OMIM 613752.

Allele frequency attached by ClinVar (database versions not stated): gnomAD exomes 0.00001; ExAC 0.00002; TOPMed 0.00004.
gnomAD v4.1: 20 of 1,614,126 alleles (0.0012%); highest among the groups gnomAD compares: Admixed American, 0.005%; no homozygotes.

Submissions (2):

PreventionGenetics, part of Exact Sciences
Classification: Likely benign for AHCY-related condition. Last evaluated: 2025-08-05. Review status: criteria provided, single submitter. Criteria: ACMG Guidelines, 2015. Collection method: clinical testing. Allele origin: germline.
Comment: This variant is classified as likely benign based on ACMG/AMP sequence variant interpretation guidelines (Richards et al. 2015 PMID: 25741868, with internal and published modifications).

Labcorp Genetics (formerly Invitae), Labcorp
Classification: Likely benign for Hypermethioninemia with deficiency of S-adenosylhomocysteine hydrolase. Last evaluated: 2023-10-17. Review status: criteria provided, single submitter. Criteria: Invitae Variant Classification Sherloc (09022015). Collection method: clinical testing. Allele origin: germline.

NM_000687.4(AHCY):c.1104G>A (p.Ala368=)

Gene: AHCY (adenosylhomocysteinase; minus strand). Cytogenetic location: 20q11.22.
Variant type: single nucleotide variant.
Coding change: c.1104G>A on transcript NM_000687.4 (MANE Select); coding-DNA position 1104, G replaced by A.
Protein change: p.Ala368=; no amino-acid change (alanine 368 retained).
Molecular consequence: synonymous variant.
Genome position (GRCh38, 1-based): chr20:34,285,503, C>T on the plus strand (G>A on the coding strand, the complement: AHCY is on the minus strand). VCF-style: chr20-34285503-C-T. GRCh37 (hg19) VCF-style: chr20-32873309-C-T.
Other names: c.1020G>A, p.Ala340= (NM_001161766.2, NM_001322084.2, NM_001322085.2); c.1110G>A, p.Ala370= (NM_001322086.2); c.1104G>A, p.Ala368= (NM_001362750.2); c.1104G>A (NM_000687.3).
Identifiers: ClinVar variation 2421080 (VCV002421080.8), dbSNP rs777626341, ClinGen allele CA9820782.